The following is an entry in ClinVar:

NM_145647.4(TBC1D31):c.78-2A>G

Gene: TBC1D31 (TBC1 domain family member 31; plus strand). Cytogenetic location: 8q24.13.
Variant type: single nucleotide variant.
Coding change: c.78-2A>G on transcript NM_145647.4 (MANE Select); the canonical splice acceptor site of the intron before coding-DNA position 78, A replaced by G.
Molecular consequence: splice acceptor variant.
Genome position (GRCh38, 1-based): chr8:123,077,109, A>G. VCF-style: chr8-123077109-A-G. GRCh37 (hg19) VCF-style: chr8-124089349-A-G.
Other names: c.78-2A>G (NM_001363151.2, NM_001363148.1, NM_001363150.1 and 2 more transcripts); c.-122-2A>G (NM_001330606.2, NM_001363155.1, NM_001363152.1 and 1 more transcripts); c.-1173-2A>G (NM_001363156.1); c.48-2A>G (NM_001363149.1).
Identifiers: ClinVar variation 3345865 (VCV003345865.1).

ClinVar aggregate classification (germline): Uncertain significance (0 of 4 stars; one submission).

Conditions:
TBC1D31-related disorder. Also called: TBC1D31-related condition.

Submission:

PreventionGenetics, part of Exact Sciences
Classification: Uncertain significance for TBC1D31-related condition. Last evaluated: 2024-07-03. Review status: no assertion criteria provided. Collection method: clinical testing. Allele origin: germline.
Comment: The TBC1D31 c.78-2A>G variant is predicted to disrupt the AG splice acceptor site and interfere with normal splicing. To our knowledge, this variant has not been reported in the literature or in a large population database, indicating this variant is rare. At this time, the clinical significance of this variant is uncertain due to the absence of conclusive functional and genetic evidence.